The following is an entry in ClinVar:

NM_004526.4(MCM2):c.1510C>A (p.Pro504Thr)

Gene: MCM2 (minichromosome maintenance complex component 2; plus strand). Cytogenetic location: 3q21.3.
Variant type: single nucleotide variant.
Coding change: c.1510C>A on transcript NM_004526.4 (MANE Select); coding-DNA position 1510, C replaced by A.
Protein change: p.Pro504Thr; replaces proline 504 with threonine.
Molecular consequence: missense variant. On other transcripts: non-coding transcript variant (1).
Genome position (GRCh38, 1-based): chr3:127,615,943, C>A. VCF-style: chr3-127615943-C-A. GRCh37 (hg19) VCF-style: chr3-127334786-C-A.
Other names: short protein forms P504T.
Identifiers: ClinVar variation 1485868 (VCV001485868.9), dbSNP rs150403449, ClinGen allele CA2595925.

ClinVar aggregate classification (germline): Uncertain significance. Review status: criteria provided, multiple submitters, no conflicts (2 of 4 stars). 2 submissions from 2 submitters: Uncertain significance (2). Last evaluated 2025-12-27.

Conditions:
Autosomal dominant nonsyndromic hearing loss 70. Also called: Deafness, autosomal dominant 70. Identifiers: Orphanet 90635, MedGen C4310775, MONDO:0014853, OMIM 616968.

Allele frequency attached by ClinVar (database versions not stated): gnomAD exomes 0.00010 and 0.00029; TOPMed 0.00010; ExAC 0.00013; gnomAD 0.00016; ESP Exome Variant Server 0.00031.
gnomAD v4.1: 476 of 1,613,864 alleles (0.029%); highest among the groups gnomAD compares: Non-Finnish European, 0.037%; 2 homozygotes.

Submissions (2):

Labcorp Genetics (formerly Invitae), Labcorp
Classification: Uncertain significance. Last evaluated: 2025-12-27. Review status: criteria provided, single submitter. Criteria: Invitae Variant Classification Sherloc (09022015). Collection method: clinical testing. Allele origin: germline.
Comment: This sequence change replaces proline, which is neutral and non-polar, with threonine, which is neutral and polar, at codon 504 of the MCM2 protein (p.Pro504Thr). This variant is present in population databases (rs150403449, gnomAD 0.02%). This variant has not been reported in the literature in individuals affected with MCM2-related conditions. ClinVar contains an entry for this variant (Variation ID: 1485868). Invitae Evidence Modeling of protein sequence and biophysical properties (such as structural, functional, and spatial information, amino acid conservation, physicochemical variation, residue mobility, and thermodynamic stability) indicates that this missense variant is not expected to disrupt MCM2 protein function with a negative predictive value of 80%. In summary, the available evidence is currently insufficient to determine the role of this variant in disease. Therefore, it has been classified as a Variant of Uncertain Significance.

Department of Pathology and Laboratory Medicine, Sinai Health System
Classification: Uncertain significance for Autosomal dominant nonsyndromic hearing loss 70. Last evaluated: 2021-07-30. Review status: criteria provided, single submitter. Criteria: ACMG Guidelines, 2015. Collection method: research. Allele origin: germline.